The following is an entry in ClinVar:

ClinVar aggregate classification (germline): Uncertain significance (1 of 4 stars; one submission).

Submission:

GeneDx
Classification: Uncertain significance. Last evaluated: 2023-03-30. Review status: criteria provided, single submitter. Criteria: GeneDx Variant Classification Process June 2021. Collection method: clinical testing. Allele origin: germline. Affected: yes.
Comment: Not observed at significant frequency in large population cohorts (gnomAD); In silico analysis supports that this missense variant has a deleterious effect on protein structure/function; Has not been published as a germline variant, to our knowledge; however, it has been reported as a somatic variant in patients with myeloid neoplasms and presumed DDX41 germline variants (Quesada et al., 2019; Li et al., 2022); This variant is associated with the following publications: (PMID: 27721487, 30963592, 35671390)

NM_016222.4(DDX41):c.694A>G (p.Thr232Ala)

Gene: DDX41 (DEAD-box helicase 41; minus strand). Cytogenetic location: 5q35.3.
Variant type: single nucleotide variant.
Coding change: c.694A>G on transcript NM_016222.4 (MANE Select); coding-DNA position 694, A replaced by G.
Protein change: p.Thr232Ala; replaces threonine 232 with alanine.
Molecular consequence: missense variant.
Genome position (GRCh38, 1-based): chr5:177,515,020, T>C on the plus strand (A>G on the coding strand, the complement: DDX41 is on the minus strand). VCF-style: chr5-177515020-T-C. GRCh37 (hg19) VCF-style: chr5-176942021-T-C.
Other names: c.316A>G, p.Thr106Ala (NM_001321732.2, NM_001321830.2); short protein forms T106A, T232A.
Identifiers: ClinVar variation 2581853 (VCV002581853.1), dbSNP rs2532084900, ClinGen allele CA362375364.